The following is an entry in ClinVar:

ClinVar aggregate classification (germline): Uncertain significance. Review status: criteria provided, multiple submitters, no conflicts (2 of 4 stars). 5 submissions from 5 submitters: Uncertain significance (5). Last evaluated 2025-09-22.

Conditions:
Loeys-Dietz syndrome (LDS). Identifiers: Orphanet 60030, MedGen C2697932, MONDO:0018954.
Familial thoracic aortic aneurysm and aortic dissection (TAAD). Also called: Thoracic aortic aneurysms and dissections. Identifiers: Orphanet 91387, MedGen C4707243, MONDO:0019625.

Allele frequency attached by ClinVar (database versions not stated): gnomAD exomes below 0.00001; TOPMed below 0.00001; ExAC 0.00001; gnomAD 0.00001.
gnomAD v4.1: 2 of 1,614,032 alleles (0.00012%); highest among the groups gnomAD compares: Admixed American, 0.0033%; no homozygotes.

Submissions (5):

Ambry Genetics
Classification: Uncertain significance for Familial thoracic aortic aneurysm and aortic dissection. Last evaluated: 2025-09-22. Review status: criteria provided, single submitter. Criteria: Ambry Variant Classification Scheme 2023. Collection method: clinical testing. Allele origin: germline.

Color Diagnostics, LLC DBA Color Health
Classification: Uncertain significance for Familial thoracic aortic aneurysm and aortic dissection. Last evaluated: 2025-08-30. Review status: criteria provided, single submitter. Criteria: ACMG Guidelines, 2015. Collection method: clinical testing. Allele origin: germline.
Comment: This missense variant replaces valine with glycine at codon 145 of the TGFBR1 protein. Computational prediction suggests that this variant may not impact protein structure and function. To our knowledge, functional studies have not been reported for this variant. This variant has not been reported in individuals affected with TGFBR1-related disorders in the literature. This variant has been identified in 1/251080 chromosomes in the general population by the Genome Aggregation Database (gnomAD). The available evidence is insufficient to determine the role of this variant in disease conclusively. Therefore, this variant is classified as a Variant of Uncertain Significance.

All of Us Research Program, National Institutes of Health
Classification: Uncertain significance for Loeys-Dietz syndrome. Last evaluated: 2024-09-23. Review status: criteria provided, single submitter. Criteria: ACMG Guidelines, 2015. Collection method: clinical testing. Allele origin: germline. Inheritance: Autosomal dominant inheritance. Observed: 2 variant alleles, 2 heterozygotes.
Comment: This study involves interpretation of variants in research participants for the purpose of population health screening. Participant phenotype was not available at the time of variant classification. Additional details can be found in publication PMID: 35346344, PMCID: PMC8962531

Labcorp Genetics (formerly Invitae), Labcorp
Classification: Uncertain significance for Familial thoracic aortic aneurysm and aortic dissection. Last evaluated: 2023-08-28. Review status: criteria provided, single submitter. Criteria: Invitae Variant Classification Sherloc (09022015). Collection method: clinical testing. Allele origin: germline.
Comment: This variant is present in population databases (rs775267361, gnomAD 0.003%). This sequence change replaces valine, which is neutral and non-polar, with glycine, which is neutral and non-polar, at codon 145 of the TGFBR1 protein (p.Val145Gly). In summary, the available evidence is currently insufficient to determine the role of this variant in disease. Therefore, it has been classified as a Variant of Uncertain Significance. Advanced modeling of protein sequence and biophysical properties (such as structural, functional, and spatial information, amino acid conservation, physicochemical variation, residue mobility, and thermodynamic stability) performed at Invitae indicates that this missense variant is not expected to disrupt TGFBR1 protein function. ClinVar contains an entry for this variant (Variation ID: 213867). This variant has not been reported in the literature in individuals affected with TGFBR1-related conditions.

GeneDx
Classification: Uncertain significance. Last evaluated: 2019-12-09. Review status: criteria provided, single submitter. Criteria: GeneDx Variant Classification Process June 2021. Collection method: clinical testing. Allele origin: germline. Affected: yes.
Comment: Has not been previously published as pathogenic or benign to our knowledge; Not observed at a significant frequency in large population cohorts (Lek et al., 2016); In silico analysis, which includes protein predictors and evolutionary conservation, supports a deleterious effect

NM_004612.4(TGFBR1):c.434T>G (p.Val145Gly)

Gene: TGFBR1 (transforming growth factor beta receptor 1; plus strand). Cytogenetic location: 9q22.33.
Variant type: single nucleotide variant.
Coding change: c.434T>G on transcript NM_004612.4 (MANE Select); coding-DNA position 434, T replaced by G.
Protein change: p.Val145Gly; replaces valine 145 with glycine.
Molecular consequence: missense variant. On other transcripts: intron variant (1).
Genome position (GRCh38, 1-based): chr9:99,132,599, T>G. VCF-style: chr9-99132599-T-G. GRCh37 (hg19) VCF-style: chr9-101894881-T-G.
Other names: p.V145G:GTC>GGC; c.446T>G, p.Val149Gly (NM_001306210.2); c.343+3499T>G (NM_001130916.3); short protein forms V145G, V149G.
Identifiers: ClinVar variation 213867 (VCV000213867.11), dbSNP rs775267361, ClinGen allele CA042043.